The following is an entry in ClinVar:

ClinVar aggregate classification (germline): Uncertain significance (1 of 4 stars; one submission).

Conditions:
Hereditary cancer-predisposing syndrome. Also called: Neoplastic Syndromes, Hereditary; Tumor predisposition; Hereditary Cancer Syndrome; Hereditary neoplastic syndrome. Identifiers: Orphanet 140162, MedGen C0027672, MeSH D009386, MONDO:0015356.

gnomAD v4.1: 1 of 1,608,230 alleles (0.000062%); highest among the groups gnomAD compares: Non-Finnish European, 0.000085%; no homozygotes.

Submission:

Ambry Genetics
Classification: Uncertain significance for Hereditary cancer-predisposing syndrome. Last evaluated: 2026-02-16. Review status: criteria provided, single submitter. Criteria: Ambry Variant Classification Scheme 2023. Collection method: clinical testing. Allele origin: germline.
Comment: The p.P748L variant (also known as c.2243C>T), located in coding exon 16 of the NBN gene, results from a C to T substitution at nucleotide position 2243. The proline at codon 748 is replaced by leucine, an amino acid with similar properties. This amino acid position is conserved. In addition, the in silico prediction for this alteration is inconclusive. Based on the available evidence, the clinical significance of this variant remains unclear.

NM_002485.5(NBN):c.2243C>T (p.Pro748Leu)

Gene: NBN (nibrin; minus strand). Cytogenetic location: 8q21.3.
Variant type: single nucleotide variant.
Coding change: c.2243C>T on transcript NM_002485.5 (MANE Select); coding-DNA position 2243, C replaced by T.
Protein change: p.Pro748Leu; replaces proline 748 with leucine.
Molecular consequence: missense variant.
Genome position (GRCh38, 1-based): chr8:89,935,604, G>A on the plus strand (C>T on the coding strand, the complement: NBN is on the minus strand). VCF-style: chr8-89935604-G-A. GRCh37 (hg19) VCF-style: chr8-90947832-G-A.
Other names: c.1997C>T, p.Pro666Leu (NM_001024688.3, NM_001440379.1, NM_001440380.1); short protein forms P748L, P666L.
Identifiers: ClinVar variation 4824889 (VCV004824889.1).